The following is an entry in ClinVar:

ClinVar aggregate classification (germline): Uncertain significance (1 of 4 stars; one submission).

Conditions:
Niemann-Pick disease, type A. Also called: SPHINGOMYELIN LIPIDOSIS; SPHINGOMYELINASE DEFICIENCY; Infantile Neurovisceral ASMD (Niemann-Pick Disease Type A; NPD-A). Identifiers: Orphanet 77292, MedGen C0268242, MONDO:0009756, OMIM 257200. Disease mechanism: loss of function.
Niemann-Pick disease, type B. Also called: Chronic Visceral ASMD (Niemann-Pick Disease Type B; NPD-B). Identifiers: Orphanet 77293, MedGen C0268243, MONDO:0011871, OMIM 607616. Disease mechanism: loss of function.

Submission:

Labcorp Genetics (formerly Invitae), Labcorp
Classification: Uncertain significance for Niemann-Pick disease, type B; Niemann-Pick disease, type A. Last evaluated: 2023-04-28. Review status: criteria provided, single submitter. Criteria: Invitae Variant Classification Sherloc (09022015). Collection method: clinical testing. Allele origin: germline.
Comment: In summary, the available evidence is currently insufficient to determine the role of this variant in disease. Therefore, it has been classified as a Variant of Uncertain Significance. Advanced modeling of protein sequence and biophysical properties (such as structural, functional, and spatial information, amino acid conservation, physicochemical variation, residue mobility, and thermodynamic stability) performed at Invitae indicates that this missense variant is not expected to disrupt SMPD1 protein function. This variant has not been reported in the literature in individuals affected with SMPD1-related conditions. This variant is not present in population databases (gnomAD no frequency). This sequence change replaces alanine, which is neutral and non-polar, with valine, which is neutral and non-polar, at codon 100 of the SMPD1 protein (p.Ala100Val).

NM_000543.5(SMPD1):c.299C>T (p.Ala100Val)

Gene: SMPD1 (sphingomyelin phosphodiesterase 1; plus strand). Cytogenetic location: 11p15.4.
Variant type: single nucleotide variant.
Coding change: c.299C>T on transcript NM_000543.5 (MANE Select); coding-DNA position 299, C replaced by T.
Protein change: p.Ala100Val; replaces alanine 100 with valine.
Molecular consequence: missense variant. On other transcripts: 5 prime UTR variant (1), non-coding transcript variant (2).
Genome position (GRCh38, 1-based): chr11:6,390,897, C>T. VCF-style: chr11-6390897-C-T. GRCh37 (hg19) VCF-style: chr11-6412127-C-T.
Other names: c.299C>T, p.Ala100Val (NM_001007593.3, NM_001318087.2, NM_001365135.2); c.-663C>T (NM_001318088.2); short protein forms A100V.
Identifiers: ClinVar variation 2947279 (VCV002947279.3), dbSNP rs2134006790, ClinGen allele CA379368476.